The following is an entry in ClinVar:

NM_001371986.1(UNC80):c.6113A>G (p.Asp2038Gly)

Gene: UNC80 (unc-80 subunit of NALCN channel complex; plus strand). Cytogenetic location: 2q34.
Variant type: single nucleotide variant.
Coding change: c.6113A>G on transcript NM_001371986.1 (MANE Select); coding-DNA position 6113, A replaced by G.
Protein change: p.Asp2038Gly; replaces aspartic acid 2038 with glycine.
Molecular consequence: missense variant.
Genome position (GRCh38, 1-based): chr2:209,933,940, A>G. VCF-style: chr2-209933940-A-G. GRCh37 (hg19) VCF-style: chr2-210798664-A-G.
Other names: c.5915A>G, p.Asp1972Gly (NM_032504.2); c.5900A>G, p.Asp1967Gly (NM_182587.4); short protein forms D1967G, D2038G, D1972G.
Identifiers: ClinVar variation 2121647 (VCV002121647.4), dbSNP rs2471154240, ClinGen allele CA350769067.
Genomic context (GRCh38, chr2:209,933,940, plus strand): 5'-CAGCCACCCTGACATTCCTGTGGGAGGTGGTGGGTTACGTGGAGGGCCTCTTCTTCAAGG[A>G]TCTCAAGCAGACGATGAAGAAGGAGCAGTGTGAGGTGAAGCTCCTGGTGACCGCTTCAAT-3'
Protein context (NP_001358915.1, residues 2028-2048): VGYVEGLFFK[Asp2038Gly]LKQTMKKEQC

ClinVar aggregate classification (germline): Uncertain significance (1 of 4 stars; one submission).

Submission:

Labcorp Genetics (formerly Invitae), Labcorp
Classification: Uncertain significance. Last evaluated: 2023-12-21. Review status: criteria provided, single submitter. Criteria: Invitae Variant Classification Sherloc (09022015). Collection method: clinical testing. Allele origin: germline.
Comment: This sequence change replaces aspartic acid, which is acidic and polar, with glycine, which is neutral and non-polar, at codon 1972 of the UNC80 protein (p.Asp1972Gly). This variant is not present in population databases (gnomAD no frequency). This variant has not been reported in the literature in individuals affected with UNC80-related conditions. ClinVar contains an entry for this variant (Variation ID: 2121647). Advanced modeling of protein sequence and biophysical properties (such as structural, functional, and spatial information, amino acid conservation, physicochemical variation, residue mobility, and thermodynamic stability) performed at Invitae indicates that this missense variant is not expected to disrupt UNC80 protein function with a negative predictive value of 80%. In summary, the available evidence is currently insufficient to determine the role of this variant in disease. Therefore, it has been classified as a Variant of Uncertain Significance.